The following is an entry in ClinVar:

ClinVar aggregate classification (germline): Uncertain significance. Review status: criteria provided, multiple submitters, no conflicts (2 of 4 stars). 2 submissions from 2 submitters: Uncertain significance (2). Last evaluated 2025-02-27.

Conditions:
Inborn genetic diseases. Identifiers: MedGen C0950123, MeSH D030342.

Allele frequency attached by ClinVar (database versions not stated): TOPMed 0.00004; ExAC 0.00005; gnomAD 0.00007; ESP Exome Variant Server 0.00008.
gnomAD v4.1: 15 of 1,564,106 alleles (0.00096%); highest among the groups gnomAD compares: African/African-American, 0.019%; no homozygotes.

Submissions (2):

Ambry Genetics
Classification: Uncertain significance for Inborn genetic diseases. Last evaluated: 2025-02-27. Review status: criteria provided, single submitter. Criteria: Ambry Variant Classification Scheme 2023. Collection method: clinical testing. Allele origin: germline.

GeneDx
Classification: Uncertain significance. Last evaluated: 2023-03-31. Review status: criteria provided, single submitter. Criteria: GeneDx Variant Classification Process June 2021. Collection method: clinical testing. Allele origin: germline. Affected: yes.
Comment: In silico analysis supports that this missense variant does not alter protein structure/function; Has not been previously published as pathogenic or benign to our knowledge

NM_001009944.3(PKD1):c.9862A>G (p.Ile3288Val)

Gene: PKD1 (polycystin 1, transient receptor potential channel interacting; minus strand). Cytogenetic location: 16p13.3.
Variant type: single nucleotide variant.
Coding change: c.9862A>G on transcript NM_001009944.3 (MANE Select); coding-DNA position 9862, A replaced by G.
Protein change: p.Ile3288Val; replaces isoleucine 3288 with valine.
Molecular consequence: missense variant.
Genome position (GRCh38, 1-based): chr16:2,099,922, T>C on the plus strand (A>G on the coding strand, the complement: PKD1 is on the minus strand). VCF-style: chr16-2099922-T-C. GRCh37 (hg19) VCF-style: chr16-2149923-T-C.
Other names: c.9862A>G, p.Ile3288Val (NM_000296.4); c.9862A>G (NM_000296.3); short protein forms I3288V.
Identifiers: ClinVar variation 2581953 (VCV002581953.2), dbSNP rs146756469, ClinGen allele CA7829905.